The following is an entry in ClinVar:

NM_000552.5(VWF):c.4277G>A (p.Arg1426His)

Gene: VWF (von Willebrand factor; minus strand). Cytogenetic location: 12p13.31.
Variant type: single nucleotide variant.
Coding change: c.4277G>A on transcript NM_000552.5 (MANE Select); coding-DNA position 4277, G replaced by A.
Protein change: p.Arg1426His; replaces arginine 1426 with histidine.
Molecular consequence: missense variant.
Genome position (GRCh38, 1-based): chr12:6,019,141, C>T on the plus strand (G>A on the coding strand, the complement: VWF is on the minus strand). VCF-style: chr12-6019141-C-T. GRCh37 (hg19) VCF-style: chr12-6128307-C-T.
Other names: short protein forms R1426H.
Identifiers: ClinVar variation 1676729 (VCV001676729.1), dbSNP rs761308466, ClinGen allele CA383503203.

ClinVar aggregate classification (germline): Uncertain significance (1 of 4 stars; one submission).

Conditions:
von Willebrand disease type 1 (VWD1). Also called: VWD, TYPE 1; VON WILLEBRAND DISEASE, TYPE I. Identifiers: Orphanet 166078, Orphanet 903, MedGen C1264039, MONDO:0008668, OMIM 193400. Inheritance: autosomal recessive or autosomal dominant.

Allele frequency attached by ClinVar (database versions not stated): gnomAD 0.00001; gnomAD exomes 0.00001; TOPMed 0.00001.

Submission:

ISTH-SSC Genomics in Thrombosis and Hemostasis, KU Leuven, Center for Molecular and Vascular Biology
Classification: Uncertain significance for von Willebrand disease type 1. Review status: criteria provided, single submitter. Criteria: ACMG Guidelines, 2015. Collection method: clinical testing. Allele origin: unknown. Affected: yes.
Comment: Submitted to GoldVariant by Kathleen Freson, Center for Molecular and Vascular Biology, Leuven, Belgium

Literature cited by the submitters: PubMed 34355501.